The following is an entry in ClinVar:

ClinVar aggregate classification (germline): Uncertain significance (1 of 4 stars; one submission).

Conditions:
Asphyxiating thoracic dystrophy 3. Also called: SHORT-RIB THORACIC DYSPLASIA 3 WITH OR WITHOUT POLYDACTYLY; POLYDACTYLY WITH NEONATAL CHONDRODYSTROPHY, TYPE I; SHORT-RIB THORACIC DYSPLASIA 3/6 WITH POLYDACTYLY, DIGENIC; Short rib polydactyly syndrome 2B; Saldino-Noonan Syndrome. Identifiers: Orphanet 474, Orphanet 93269, Orphanet 93270, Orphanet 93271, MedGen C0036069, MONDO:0013127, OMIM 613091.

Submission:

Laboratorio de Genetica e Diagnostico Molecular, Hospital Israelita Albert Einstein
Classification: Uncertain significance for Asphyxiating thoracic dystrophy 3. Last evaluated: 2024-08-13. Review status: criteria provided, single submitter. Criteria: ACMG Guidelines, 2015. Collection method: clinical testing. Allele origin: germline. Affected: yes.
Comment: ACMG classification criteria: PM2 supporting

NM_001377.3(DYNC2H1):c.7193A>C (p.Glu2398Ala)

Gene: DYNC2H1 (dynein cytoplasmic 2 heavy chain 1; plus strand). Cytogenetic location: 11q22.3.
Variant type: single nucleotide variant.
Coding change: c.7193A>C on transcript NM_001377.3 (MANE Select); coding-DNA position 7193, A replaced by C.
Protein change: p.Glu2398Ala; replaces glutamic acid 2398 with alanine.
Molecular consequence: missense variant.
Genome position (GRCh38, 1-based): chr11:103,188,549, A>C. VCF-style: chr11-103188549-A-C. GRCh37 (hg19) VCF-style: chr11-103059278-A-C.
Other names: c.7193A>C, p.Glu2398Ala (NM_001080463.2); short protein forms E2398A.
Identifiers: ClinVar variation 3901972 (VCV003901972.1).
Genomic context (GRCh38, chr11:103,188,549, plus strand): 5'-TCAAATAGGTATTGACGTATCAAGGATTTTATGATGAAAATTTGGAATGGGTTGGTCTAG[A>C]AAATATTCAAATTGTGGCTTCTATGTCAGCTGGAGGAAGACTGGGAAGACATAAACTTAC-3'
Protein context (NP_001368.2, residues 2388-2408): YDENLEWVGL[Glu2398Ala]NIQIVASMSA